The following is an entry in ClinVar:

ClinVar aggregate classification (germline): Uncertain significance (1 of 4 stars; one submission).

Conditions:
TFG-related disorder. Also called: TFG-related disorders; TFG-related condition.

Submission:

PreventionGenetics, part of Exact Sciences
Classification: Uncertain significance for TFG-related condition. Last evaluated: 2025-09-23. Review status: criteria provided, single submitter. Criteria: ACMG Guidelines, 2015. Collection method: clinical testing. Allele origin: germline.
Comment: The TFG c.573G>C variant is predicted to result in the amino acid substitution p.Gln191His. To our knowledge, this variant has not been reported in the literature or in a large population database (gnomAD), indicating this variant is rare. At this time, the clinical significance of this variant is uncertain due to the absence of conclusive functional and genetic evidence.

NM_006070.6(TFG):c.573G>C (p.Gln191His)

Gene: TFG (trafficking from ER to golgi regulator; plus strand). Cytogenetic location: 3q12.2.
Variant type: single nucleotide variant.
Coding change: c.573G>C on transcript NM_006070.6 (MANE Select); coding-DNA position 573, G replaced by C.
Protein change: p.Gln191His; replaces glutamine 191 with histidine.
Molecular consequence: missense variant.
Genome position (GRCh38, 1-based): chr3:100,732,665, G>C. VCF-style: chr3-100732665-G-C. GRCh37 (hg19) VCF-style: chr3-100451509-G-C.
Other names: c.573G>C, p.Gln191His (NM_001007565.2, NM_001195478.2, NM_001195479.2); short protein forms Q191H.
Identifiers: ClinVar variation 4996168 (VCV004996168.1).